The following is an entry in ClinVar:

NM_001723.7(DST):c.6016A>G (p.Met2006Val)

Gene: DST (dystonin; minus strand). Cytogenetic location: 6p12.1.
Variant type: single nucleotide variant.
Coding change: c.6016A>G on transcript NM_001723.7 (MANE Plus Clinical); coding-DNA position 6016, A replaced by G.
Protein change: p.Met2006Val; replaces methionine 2006 with valine.
Molecular consequence: missense variant. On other transcripts: intron variant (10).
Genome position (GRCh38, 1-based): chr6:56,618,018, T>C on the plus strand (A>G on the coding strand, the complement: DST is on the minus strand). VCF-style: chr6-56618018-T-C. GRCh37 (hg19) VCF-style: chr6-56482816-T-C.
Other names: c.4831-3534A>G (NM_001144769.5); c.4930-3534A>G (NM_001374722.1, NM_001374736.1); c.4957-3534A>G (NM_001374734.1); c.4417-3534A>G (NM_001144770.2); c.4297-3534A>G (NM_001374730.1, NM_001386100.1, NM_183380.4 and 1 more transcripts); c.3319-3534A>G (NM_015548.5); short protein forms M2006V.
Identifiers: ClinVar variation 474535 (VCV000474535.11), dbSNP rs139725585, ClinGen allele CA3870262.

ClinVar aggregate classification (germline): Uncertain significance (1 of 4 stars; one submission).

Conditions:
Hereditary sensory and autonomic neuropathy type 6. Also called: HSAN VI; Neuropathy, hereditary sensory and autonomic, type VI. Identifiers: Orphanet 314381, MedGen C3539003, MONDO:0013839, OMIM 614653.
Epidermolysis bullosa simplex 3, localized or generalized intermediate, with BP230 deficiency (EBS3). Also called: Epidermolysis bullosa simplex, autosomal recessive 2; Epidermolysis bullosa simplex due to BP230 deficiency. Identifiers: Orphanet 412181, MedGen C3809470, MONDO:0014180, OMIM 615425.

Allele frequency attached by ClinVar (database versions not stated): gnomAD exomes 0.00001 and 0.00004; ExAC 0.00005; gnomAD 0.00010; TOPMed 0.00011; ESP Exome Variant Server 0.00015; 1000 Genomes Project 0.00040; 1000 Genomes Project 30x 0.00062.
gnomAD v4.1: 24 of 1,614,160 alleles (0.0015%); highest among the groups gnomAD compares: African/African-American, 0.025%; no homozygotes.

Submission:

Labcorp Genetics (formerly Invitae), Labcorp
Classification: Uncertain significance for Epidermolysis bullosa simplex 3, localized or generalized intermediate, with BP230 deficiency; Hereditary sensory and autonomic neuropathy type 6. Last evaluated: 2026-01-05. Review status: criteria provided, single submitter. Criteria: Invitae Variant Classification Sherloc (09022015). Collection method: clinical testing. Allele origin: germline.
Comment: This sequence change replaces methionine, which is neutral and non-polar, with valine, which is neutral and non-polar, at codon 2006 of the DST protein (p.Met2006Val). This variant is present in population databases (rs139725585, gnomAD 0.03%). This variant has not been reported in the literature in individuals affected with DST-related conditions. ClinVar contains an entry for this variant (Variation ID: 474535). An algorithm developed to predict the effect of missense changes on protein structure and function (PolyPhen-2) suggests that this variant is likely to be tolerated. In summary, the available evidence is currently insufficient to determine the role of this variant in disease. Therefore, it has been classified as a Variant of Uncertain Significance.